The following is an entry in ClinVar:

ClinVar aggregate classification (germline): Uncertain significance (1 of 4 stars; one submission).

Conditions:
Inborn genetic diseases. Identifiers: MedGen C0950123, MeSH D030342.

Submission:

Ambry Genetics
Classification: Uncertain significance for Inborn genetic diseases. Last evaluated: 2025-08-25. Review status: criteria provided, single submitter. Criteria: Ambry Variant Classification Scheme 2023. Collection method: clinical testing. Allele origin: germline.
Comment: The p.S2R variant (also known as c.6C>G), located in coding exon 1 of the FANCM gene, results from a C to G substitution at nucleotide position 6. The serine at codon 2 is replaced by arginine, an amino acid with dissimilar properties. This amino acid position is conserved. In addition, this alteration is predicted to be tolerated by in silico analysis. Based on the available evidence, the clinical significance of this variant remains unclear.

NM_020937.4(FANCM):c.6C>G (p.Ser2Arg)

Gene: FANCM (FA complementation group M; plus strand). Cytogenetic location: 14q21.2.
Variant type: single nucleotide variant.
Coding change: c.6C>G on transcript NM_020937.4 (MANE Select); coding-DNA position 6, C replaced by G.
Protein change: p.Ser2Arg; replaces serine 2 with arginine.
Molecular consequence: missense variant.
Genome position (GRCh38, 1-based): chr14:45,136,037, C>G. VCF-style: chr14-45136037-C-G. GRCh37 (hg19) VCF-style: chr14-45605240-C-G.
Other names: c.6C>G, p.Ser2Arg (NM_001308133.2, NM_001308134.2); short protein forms S2R.
Identifiers: ClinVar variation 4254713 (VCV004254713.1).